The following is an entry in ClinVar:

ClinVar aggregate classification (germline): Benign. Review status: criteria provided, multiple submitters, no conflicts (2 of 4 stars). 3 submissions from 3 submitters: Benign (2). 1 of the submissions does not count toward it. Last evaluated 2026-01-15.

Conditions:
SPECC1L-related disorder. Also called: SPECC1L-related condition.

Allele frequency attached by ClinVar (database versions not stated): gnomAD 0.00011 and 0.00019; gnomAD exomes 0.00011 and 0.00049; TOPMed 0.00023; ExAC 0.00040; 1000 Genomes Project 0.00120; 1000 Genomes Project 30x 0.00156.
gnomAD v4.1: 198 of 1,613,956 alleles (0.012%); highest among the groups gnomAD compares: East Asian, 0.38%; 1 homozygote.

Submissions (3):

Labcorp Genetics (formerly Invitae), Labcorp
Classification: Benign. Last evaluated: 2026-01-15. Review status: criteria provided, single submitter. Criteria: Invitae Variant Classification Sherloc (09022015). Collection method: clinical testing. Allele origin: germline.

Breakthrough Genomics
Classification: Benign. Review status: criteria provided, single submitter. Criteria: ACMG Guidelines, 2015. Collection method: not provided. Allele origin: germline. Inheritance: Autosomal dominant inheritance. Affected: yes.

PreventionGenetics, part of Exact Sciences
Classification: Likely benign for SPECC1L-related condition. Last evaluated: 2019-11-27. Review status: no assertion criteria provided. Collection method: clinical testing. Allele origin: germline. Not counted in ClinVar's aggregate classification.
Comment: This variant is classified as likely benign based on ACMG/AMP sequence variant interpretation guidelines (Richards et al. 2015 PMID: 25741868, with internal and published modifications).

NM_015330.6(SPECC1L):c.3013T>C (p.Leu1005=)

Genes: SPECC1L (sperm antigen with calponin homology and coiled-coil domains 1 like; plus strand), SPECC1L-ADORA2A (SPECC1L-ADORA2A readthrough (NMD candidate); plus strand). Cytogenetic location: 22q11.23.
Variant type: single nucleotide variant.
Coding change: c.3013T>C on transcript NM_015330.6 (MANE Select); coding-DNA position 3013, T replaced by C.
Protein change: p.Leu1005=; no amino-acid change (leucine 1005 retained).
Molecular consequence: synonymous variant. On other transcripts: non-coding transcript variant (1).
Genome position (GRCh38, 1-based): chr22:24,369,246, T>C. VCF-style: chr22-24369246-T-C. GRCh37 (hg19) VCF-style: chr22-24765214-T-C.
Other names: c.3013T>C, p.Leu1005= (NM_001145468.4, NM_001254732.3); c.211T>C, p.Leu71= (NM_001254733.2).
Identifiers: ClinVar variation 726029 (VCV000726029.9), dbSNP rs182627733, ClinGen allele CA10152521.
Genomic context (GRCh38, chr22:24,369,246, plus strand): 5'-AAATATTTCAACTTTGGGTTACTTGTTTTCAGAGAAGAAAGGAAAGACCCTCTCTCAGCA[T>C]TGGCCAGAGAATATGGAGGATCAAAGAGGAACGCCTTGCTGAAGTGGTGTCAGAAGAAAA-3'
Protein context (NP_056145.5, residues 995-1015): REERKDPLSA[Leu1005=]AREYGGSKRN